The following is an entry in ClinVar:

NM_000440.3(PDE6A):c.1127A>C (p.Asp376Ala)

Gene: PDE6A (phosphodiesterase 6A; minus strand). Cytogenetic location: 5q32.
Variant type: single nucleotide variant.
Coding change: c.1127A>C on transcript NM_000440.3 (MANE Select); coding-DNA position 1127, A replaced by C.
Protein change: p.Asp376Ala; replaces aspartic acid 376 with alanine.
Molecular consequence: missense variant.
Genome position (GRCh38, 1-based): chr5:149,899,511, T>G on the plus strand (A>C on the coding strand, the complement: PDE6A is on the minus strand). VCF-style: chr5-149899511-T-G. GRCh37 (hg19) VCF-style: chr5-149279074-T-G.
Other names: short protein forms D376A.
Identifiers: ClinVar variation 450001 (VCV000450001.7), dbSNP rs752457116, ClinGen allele CA3504769.
Genomic context (GRCh38, chr5:149,899,511, plus strand): 5'-TCTTCCTTCTTGTTCACAATCGGCATTGAAAGCACATTTTTAATCATCCATCCAGACTCA[T>G]CCAGAGGTTCTTTCTACAAGAGAAGGGCTAGATTAGGTTTCCTCTTGTTTCAGGCCACAG-3'
Protein context (NP_000431.2, residues 366-386): DFFAFQKEPL[Asp376Ala]ESGWMIKNVL

ClinVar aggregate classification (germline): Uncertain significance. Review status: criteria provided, multiple submitters, no conflicts (2 of 4 stars). 4 submissions from 4 submitters: Uncertain significance (4). Last evaluated 2024-01-16.

Conditions:
Inborn genetic diseases. Identifiers: MedGen C0950123, MeSH D030342.

Allele frequency attached by ClinVar (database versions not stated): gnomAD exomes below 0.00001 and 0.00001; ExAC 0.00001; gnomAD 0.00001; TOPMed 0.00014.
gnomAD v4.1: 11 of 1,614,040 alleles (0.00068%); highest among the groups gnomAD compares: Admixed American, 0.01%; no homozygotes.

Submissions (4):

Ambry Genetics
Classification: Uncertain significance for Inborn genetic diseases. Last evaluated: 2024-01-16. Review status: criteria provided, single submitter. Criteria: Ambry Variant Classification Scheme 2023. Collection method: clinical testing. Allele origin: germline.

Labcorp Genetics (formerly Invitae), Labcorp
Classification: Uncertain significance. Last evaluated: 2022-02-10. Review status: criteria provided, single submitter. Criteria: Invitae Variant Classification Sherloc (09022015). Collection method: clinical testing. Allele origin: germline.
Comment: In summary, the available evidence is currently insufficient to determine the role of this variant in disease. Therefore, it has been classified as a Variant of Uncertain Significance. Algorithms developed to predict the effect of missense changes on protein structure and function are either unavailable or do not agree on the potential impact of this missense change (SIFT: "Tolerated"; PolyPhen-2: "Probably Damaging"; Align-GVGD: "Class C0"). ClinVar contains an entry for this variant (Variation ID: 450001). This sequence change replaces aspartic acid, which is acidic and polar, with alanine, which is neutral and non-polar, at codon 376 of the PDE6A protein (p.Asp376Ala). This variant is present in population databases (rs752457116, gnomAD 0.003%). This variant has not been reported in the literature in individuals affected with PDE6A-related conditions.

Blueprint Genetics
Classification: Uncertain significance. Last evaluated: 2021-11-04. Review status: criteria provided, single submitter. Criteria: ACMG Guidelines, 2015. Collection method: clinical testing. Allele origin: germline.

GeneDx
Classification: Uncertain significance. Last evaluated: 2017-06-23. Review status: criteria provided, single submitter. Criteria: GeneDx Variant Classification (06012015). Collection method: clinical testing. Allele origin: germline. Affected: yes.
Comment: The D376A variant in the PDE6A gene has not been reported previously as a pathogenic variant, nor as a benign variant, to our knowledge. This variant is not observed at a significant frequency in large population cohorts (Lek et al., 2016; 1000 Genomes Consortium et al., 2015; Exome Variant Server). The D376A variant is a non-conservative amino acid substitution, which is likely to impact secondary protein structure as these residues differ in polarity, charge, size and/or other properties. This substitution occurs at a position that is conserved across species. In silico analysis predicts this variant is probably damaging to the protein structure/function. We interpret D376A as a variant of uncertain significance.